The following is an entry in ClinVar:

ClinVar aggregate classification (germline): Pathogenic/Likely pathogenic. Review status: criteria provided, multiple submitters, no conflicts (2 of 4 stars). 2 submissions from 2 submitters: Pathogenic (1); Likely pathogenic (1). Last evaluated 2025-02-27.

Conditions:
Solitary median maxillary central incisor syndrome. Also called: Solitary median maxillary central incisor; FUSED INCISORS; SINGLE CENTRAL MAXILLARY INCISOR; Single Central Incisor Syndrome; SMMCI SYNDROME. Identifiers: MedGen C1840235, MONDO:0007819, OMIM 147250, HP:0006315.

Submissions (2):

Laboratory of Molecular Genetics, CHU Rennes
Classification: Likely pathogenic for Solitary median maxillary central incisor syndrome. Last evaluated: 2025-02-27. Review status: criteria provided, single submitter. Criteria: ACMG Guidelines, 2015. Collection method: clinical testing. Allele origin: de novo. Inheritance: Autosomal dominant inheritance. Affected: yes.
Comment: The NM_000193.4:c.592T>C, is a missense variant in SHH in the Hint domain (PM1), absent from controls (PM2), predicted pathogenic by prediction tools (PP3), and occurred de novo (PS2). In summary, this variant (which was already reported in one patient with holoprosencephaly) meets criteria to be classified as likely pathogenic for holoprosencephaly based on the ACMG criteria applied.

GeneDx
Classification: Pathogenic. Last evaluated: 2018-01-04. Review status: criteria provided, single submitter. Criteria: GeneDx Variant Classification (06012015). Collection method: clinical testing. Allele origin: germline. Affected: yes.
Comment: The C198R variant in the SHH gene has not been reported previously as a pathogenic variant nor as a benign variant, to our knowledge. The C198R variant is not observed in large population cohorts (Lek et al., 2016; 1000 Genomes Consortium et al., 2015; Exome Variant Server). The C198R variant is a non-conservative amino acid substitution, which is likely to impact secondary protein structure as these residues differ in polarity, charge, size and/or other properties. This substitution occurs within the cleavage site, at a position that is conserved across species. In silico analysis predicts this variant is probably damaging to the protein structure/function. Missense variants in nearby residues (G196E, G197V, C198S, C198Y, G201D) have been reported in the Human Gene Mutation Database in association with SHH-related disorders (Stenson et al., 2014), supporting the functional importance of this region of the protein. We interpret C198R as a pathogenic variant.

NM_000193.4(SHH):c.592T>C (p.Cys198Arg)

Gene: SHH (sonic hedgehog signaling molecule; minus strand). Cytogenetic location: 7q36.3.
Variant type: single nucleotide variant.
Coding change: c.592T>C on transcript NM_000193.4 (MANE Select); coding-DNA position 592, T replaced by C.
Protein change: p.Cys198Arg; replaces cysteine 198 with arginine.
Molecular consequence: missense variant. On other transcripts: intron variant (1).
Genome position (GRCh38, 1-based): chr7:155,803,697, A>G on the plus strand (T>C on the coding strand, the complement: SHH is on the minus strand). VCF-style: chr7-155803697-A-G. GRCh37 (hg19) VCF-style: chr7-155596391-A-G.
Other names: c.301+2599T>C (NM_001310462.2); short protein forms C198R.
Identifiers: ClinVar variation 430482 (VCV000430482.3), dbSNP rs1131691989, ClinGen allele CA370146729.
Genomic context (GRCh38, chr7:155,803,697, plus strand): 5'-GGTCCTTCACCAGCTTGGTGCCGCCCTGCTCCAGGTGCACCGTGGCCGAGCCCGGGAAGC[A>G]GCCTCCCGATTTGGCCGCCACCGAGTTCTCTGCGGGTGAGGAGAAGGGAAAGAAGAGAGG-3'
Protein context (NP_000184.1, residues 188-208): ENSVAAKSGG[Cys198Arg]FPGSATVHLE